The following is an entry in ClinVar:

NM_001376.5(DYNC1H1):c.2176C>T (p.Arg726Trp)

Gene: DYNC1H1 (dynein cytoplasmic 1 heavy chain 1; plus strand). Cytogenetic location: 14q32.31.
Variant type: single nucleotide variant.
Coding change: c.2176C>T on transcript NM_001376.5 (MANE Select); coding-DNA position 2176, C replaced by T.
Protein change: p.Arg726Trp; replaces arginine 726 with tryptophan.
Molecular consequence: missense variant.
Genome position (GRCh38, 1-based): chr14:101,986,401, C>T. VCF-style: chr14-101986401-C-T. GRCh37 (hg19) VCF-style: chr14-102452738-C-T.
Other names: short protein forms R726W.
Identifiers: ClinVar variation 1952578 (VCV001952578.5), dbSNP rs767021083, ClinGen allele CA7351782.

ClinVar aggregate classification (germline): Uncertain significance (1 of 4 stars; one submission).

Conditions:
Charcot-Marie-Tooth disease axonal type 2O. Also called: CHARCOT-MARIE-TOOTH NEUROPATHY, AXONAL, TYPE 2O; CHARCOT-MARIE-TOOTH DISEASE, AXONAL, AUTOSOMAL DOMINANT, TYPE 2O; Charcot-Marie-Tooth Neuropathy Type 2O; Charcot-Marie-Tooth disease, axonal, type 20. Identifiers: Orphanet 284232, MedGen C3280220, MONDO:0013644, OMIM 614228.

Allele frequency attached by ClinVar (database versions not stated): TOPMed below 0.00001; gnomAD exomes 0.00001; ExAC 0.00002.
gnomAD v4.1: 11 of 1,614,066 alleles (0.00068%); highest among the groups gnomAD compares: Admixed American, 0.0017%; no homozygotes.

Submission:

Labcorp Genetics (formerly Invitae), Labcorp
Classification: Uncertain significance for Charcot-Marie-Tooth disease axonal type 2O. Last evaluated: 2023-11-27. Review status: criteria provided, single submitter. Criteria: Invitae Variant Classification Sherloc (09022015). Collection method: clinical testing. Allele origin: germline.
Comment: This sequence change replaces arginine, which is basic and polar, with tryptophan, which is neutral and slightly polar, at codon 726 of the DYNC1H1 protein (p.Arg726Trp). This variant is present in population databases (rs767021083, gnomAD 0.003%). This variant has not been reported in the literature in individuals affected with DYNC1H1-related conditions. ClinVar contains an entry for this variant (Variation ID: 1952578). Advanced modeling of protein sequence and biophysical properties (such as structural, functional, and spatial information, amino acid conservation, physicochemical variation, residue mobility, and thermodynamic stability) has been performed at Invitae for this missense variant, however the output from this modeling did not meet the statistical confidence thresholds required to predict the impact of this variant on DYNC1H1 protein function. In summary, the available evidence is currently insufficient to determine the role of this variant in disease. Therefore, it has been classified as a Variant of Uncertain Significance.